The following is an entry in ClinVar:

ClinVar aggregate classification (germline): Uncertain significance (1 of 4 stars; one submission).

gnomAD v4.1: 15 of 1,607,178 alleles (0.00093%); highest among the groups gnomAD compares: East Asian, 0.0045%; no homozygotes.

Submission:

Labcorp Genetics (formerly Invitae), Labcorp
Classification: Uncertain significance. Last evaluated: 2025-03-22. Review status: criteria provided, single submitter. Criteria: Invitae Variant Classification Sherloc (09022015). Collection method: clinical testing. Allele origin: germline.
Comment: This sequence change replaces proline, which is neutral and non-polar, with leucine, which is neutral and non-polar, at codon 200 of the ARHGEF10 protein (p.Pro200Leu). This variant is present in population databases (rs774640644, gnomAD 0.007%). This variant has not been reported in the literature in individuals affected with ARHGEF10-related conditions. An algorithm developed to predict the effect of missense changes on protein structure and function (PolyPhen-2) suggests that this variant is likely to be disruptive. In summary, the available evidence is currently insufficient to determine the role of this variant in disease. Therefore, it has been classified as a Variant of Uncertain Significance.

NM_014629.4(ARHGEF10):c.599C>T (p.Pro200Leu)

Gene: ARHGEF10 (Rho guanine nucleotide exchange factor 10; plus strand). Cytogenetic location: 8p23.3.
Variant type: single nucleotide variant.
Coding change: c.599C>T on transcript NM_014629.4 (MANE Select); coding-DNA position 599, C replaced by T.
Protein change: p.Pro200Leu; replaces proline 200 with leucine.
Molecular consequence: missense variant.
Genome position (GRCh38, 1-based): chr8:1,866,579, C>T. VCF-style: chr8-1866579-C-T. GRCh37 (hg19) VCF-style: chr8-1814745-C-T.
Other names: c.602C>T, p.Pro201Leu (NM_001308152.2, NM_001308153.3, NM_001438091.1 and 2 more transcripts); c.599C>T, p.Pro200Leu (NM_001438093.1); short protein forms P225L, P200L, P201L.
Identifiers: ClinVar variation 4740049 (VCV004740049.1).